The following is an entry in ClinVar:

ClinVar aggregate classification (germline): Uncertain significance. Review status: criteria provided, multiple submitters, no conflicts (2 of 4 stars). 2 submissions from 2 submitters: Uncertain significance (2). Last evaluated 2025-03-15.

Conditions:
Inborn genetic diseases. Identifiers: MedGen C0950123, MeSH D030342.

gnomAD v4.1: 8 of 1,613,456 alleles (0.0005%); highest among the groups gnomAD compares: East Asian, 0.0022%; no homozygotes.

Submissions (2):

Ambry Genetics
Classification: Uncertain significance for Inborn genetic diseases. Last evaluated: 2025-03-15. Review status: criteria provided, single submitter. Criteria: Ambry Variant Classification Scheme 2023. Collection method: clinical testing. Allele origin: germline.

Labcorp Genetics (formerly Invitae), Labcorp
Classification: Uncertain significance. Last evaluated: 2024-10-14. Review status: criteria provided, single submitter. Criteria: Invitae Variant Classification Sherloc (09022015). Collection method: clinical testing. Allele origin: germline.
Comment: This sequence change replaces glycine, which is neutral and non-polar, with valine, which is neutral and non-polar, at codon 160 of the RIN2 protein (p.Gly160Val). This variant is present in population databases (rs374144324, gnomAD 0.007%). This variant has not been reported in the literature in individuals affected with RIN2-related conditions. ClinVar contains an entry for this variant (Variation ID: 2169746). Experimental studies and prediction algorithms are not available or were not evaluated, and the functional significance of this variant is currently unknown. In summary, the available evidence is currently insufficient to determine the role of this variant in disease. Therefore, it has been classified as a Variant of Uncertain Significance.

NM_018993.4(RIN2):c.479G>T (p.Gly160Val)

Gene: RIN2 (Ras and Rab interactor 2; plus strand). Cytogenetic location: 20p11.23.
Variant type: single nucleotide variant.
Coding change: c.479G>T on transcript NM_018993.4 (MANE Select); coding-DNA position 479, G replaced by T.
Protein change: p.Gly160Val; replaces glycine 160 with valine.
Molecular consequence: missense variant. On other transcripts: intron variant (1).
Genome position (GRCh38, 1-based): chr20:19,964,967, G>T. VCF-style: chr20-19964967-G-T. GRCh37 (hg19) VCF-style: chr20-19945611-G-T.
Other names: c.626G>T, p.Gly209Val (NM_001242581.2); c.-83+4156G>T (NM_001378238.1); c.479G>T (NM_018993.3); short protein forms G160V, G209V.
Identifiers: ClinVar variation 2169746 (VCV002169746.4), dbSNP rs374144324, ClinGen allele CA9779842.